The following is an entry in ClinVar:

NM_006944.3(SPP2):c.29T>A (p.Met10Lys)

Gene: SPP2 (secreted phosphoprotein 2; plus strand). Cytogenetic location: 2q37.1.
Variant type: single nucleotide variant.
Coding change: c.29T>A on transcript NM_006944.3 (MANE Select); coding-DNA position 29, T replaced by A.
Protein change: p.Met10Lys; replaces methionine 10 with lysine.
Molecular consequence: missense variant.
Genome position (GRCh38, 1-based): chr2:234,050,815, T>A. VCF-style: chr2-234050815-T-A. GRCh37 (hg19) VCF-style: chr2-234959459-T-A.
Other names: short protein forms M10K.
Identifiers: ClinVar variation 2857130 (VCV002857130.3), dbSNP rs756261230, ClinGen allele CA351098278.

ClinVar aggregate classification (germline): Uncertain significance (1 of 4 stars; one submission).

Submission:

Labcorp Genetics (formerly Invitae), Labcorp
Classification: Uncertain significance. Last evaluated: 2023-11-04. Review status: criteria provided, single submitter. Criteria: Invitae Variant Classification Sherloc (09022015). Collection method: clinical testing. Allele origin: germline.
Comment: This sequence change replaces methionine, which is neutral and non-polar, with lysine, which is basic and polar, at codon 10 of the SPP2 protein (p.Met10Lys). This variant is not present in population databases (gnomAD no frequency). This variant has not been reported in the literature in individuals affected with SPP2-related conditions. Algorithms developed to predict the effect of missense changes on protein structure and function output the following: SIFT: "Not Available"; PolyPhen-2: "Benign"; Align-GVGD: "Not Available". The lysine amino acid residue is found in multiple mammalian species, which suggests that this missense change does not adversely affect protein function. In summary, the available evidence is currently insufficient to determine the role of this variant in disease. Therefore, it has been classified as a Variant of Uncertain Significance.